The following is an entry in ClinVar:

NM_001367624.2(ZNF469):c.5801G>A (p.Arg1934Gln)

Gene: ZNF469 (zinc finger protein 469; plus strand). Cytogenetic location: 16q24.2.
Variant type: single nucleotide variant.
Coding change: c.5801G>A on transcript NM_001367624.2 (MANE Select); coding-DNA position 5801, G replaced by A.
Protein change: p.Arg1934Gln; replaces arginine 1934 with glutamine.
Molecular consequence: missense variant.
Genome position (GRCh38, 1-based): chr16:88,433,271, G>A. VCF-style: chr16-88433271-G-A. GRCh37 (hg19) VCF-style: chr16-88499679-G-A.
Other names: NM_001127464.1:c.5717G>A; short protein forms R1934Q.
Identifiers: ClinVar variation 1938513 (VCV001938513.4), dbSNP rs1567513655, ClinGen allele CA397102466.

ClinVar aggregate classification (germline): Uncertain significance. Review status: criteria provided, multiple submitters, no conflicts (2 of 4 stars). 2 submissions from 2 submitters: Uncertain significance (2). Last evaluated 2025-06-03.

Conditions:
Cardiovascular phenotype. Identifiers: MedGen CN230736.

Allele frequency attached by ClinVar (database versions not stated): TOPMed below 0.00001; gnomAD 0.00001; 1000 Genomes Project 30x 0.00016; gnomAD exomes 0.00001.
gnomAD v4.1: 22 of 1,550,360 alleles (0.0014%); highest among the groups gnomAD compares: East Asian, 0.029%; no homozygotes.

Submissions (2):

Ambry Genetics
Classification: Uncertain significance for Cardiovascular phenotype. Last evaluated: 2025-06-03. Review status: criteria provided, single submitter. Criteria: Ambry Variant Classification Scheme 2023. Collection method: clinical testing. Allele origin: germline.

Labcorp Genetics (formerly Invitae), Labcorp
Classification: Uncertain significance. Last evaluated: 2022-07-06. Review status: criteria provided, single submitter. Criteria: Invitae Variant Classification Sherloc (09022015). Collection method: clinical testing. Allele origin: germline.
Comment: This sequence change replaces arginine, which is basic and polar, with glutamine, which is neutral and polar, at codon 1906 of the ZNF469 protein (p.Arg1906Gln). This variant is not present in population databases (gnomAD no frequency). This variant has not been reported in the literature in individuals affected with ZNF469-related conditions. Algorithms developed to predict the effect of missense changes on protein structure and function output the following: SIFT: "Tolerated"; PolyPhen-2: "Benign"; Align-GVGD: "Class C0". The glutamine amino acid residue is found in multiple mammalian species, which suggests that this missense change does not adversely affect protein function. In summary, the available evidence is currently insufficient to determine the role of this variant in disease. Therefore, it has been classified as a Variant of Uncertain Significance.